The following is an entry in ClinVar:

ClinVar aggregate classification (germline): Pathogenic (1 of 4 stars; one submission).

Conditions:
Inborn genetic diseases. Identifiers: MedGen C0950123, MeSH D030342.

Submission:

Ambry Genetics
Classification: Pathogenic for Inborn genetic diseases. Last evaluated: 2026-02-10. Review status: criteria provided, single submitter. Criteria: Ambry Variant Classification Scheme 2023. Collection method: clinical testing. Allele origin: germline.
Comment: The c.2125delA (p.R709Dfs*16) alteration, located in exon 8 (coding exon 8) of the CHD8 gene, consists of a deletion of one nucleotide at position 2125, causing a translational frameshift with a predicted alternate stop codon after 16 amino acids. This variant is expected to result in loss of function by premature protein truncation or nonsense-mediated mRNA decay. This variant was not reported in population-based cohorts in the Genome Aggregation Database (gnomAD). Based on the available evidence, this alteration is classified as pathogenic.

NM_001170629.2(CHD8):c.2125del (p.Arg709fs)

Gene: CHD8 (chromodomain helicase DNA binding protein 8; minus strand). Cytogenetic location: 14q11.2.
Variant type: Deletion.
Coding change: c.2125del on transcript NM_001170629.2 (MANE Select); coding-DNA position 2125, one base deleted (A; older notation c.2125delA).
Protein change: p.Arg709fs; shifts the reading frame from arginine 709.
Molecular consequence: frameshift variant.
Genome position (GRCh38, 1-based): chr14:21,414,318, T deleted on the plus strand (A on the coding strand, the reverse complement: CHD8 is on the minus strand). VCF-style (leftmost placement, unchanged base first): chr14-21414317-CT-C. GRCh37 (hg19) VCF-style: chr14-21882476-CT-C.
Other names: c.1288del, p.Arg430fs (NM_020920.4); short protein forms R709fs, R430fs.
Identifiers: ClinVar variation 4839817 (VCV004839817.1).